The following is an entry in ClinVar:

ClinVar aggregate classification (germline): Uncertain significance (1 of 4 stars; one submission).

Conditions:
Cardiovascular phenotype. Identifiers: MedGen CN230736.

Submission:

Ambry Genetics
Classification: Uncertain significance for Cardiovascular phenotype. Last evaluated: 2023-11-14. Review status: criteria provided, single submitter. Criteria: Ambry Variant Classification Scheme 2023. Collection method: clinical testing. Allele origin: germline.
Comment: The p.L2702P variant (also known as c.8105T>C), located in coding exon 2 of the ZNF469 gene, results from a T to C substitution at nucleotide position 8105. The leucine at codon 2702 is replaced by proline, an amino acid with similar properties. This amino acid position is conserved. In addition, this alteration is predicted to be tolerated by in silico analysis. Since supporting evidence is limited at this time, the clinical significance of this alteration remains unclear.

NM_001367624.2(ZNF469):c.8189T>C (p.Leu2730Pro)

Gene: ZNF469 (zinc finger protein 469; plus strand). Cytogenetic location: 16q24.2.
Variant type: single nucleotide variant.
Coding change: c.8189T>C on transcript NM_001367624.2 (MANE Select); coding-DNA position 8189, T replaced by C.
Protein change: p.Leu2730Pro; replaces leucine 2730 with proline.
Molecular consequence: missense variant.
Genome position (GRCh38, 1-based): chr16:88,435,659, T>C. VCF-style: chr16-88435659-T-C. GRCh37 (hg19) VCF-style: chr16-88502067-T-C.
Other names: NM_001127464.1:c.8105T>C; short protein forms L2730P.
Identifiers: ClinVar variation 3232860 (VCV003232860.1), dbSNP rs2507598774, ClinGen allele CA397116440.
Genomic context (GRCh38, chr16:88,435,659, plus strand): 5'-ACCAGGAGGCTCTGTGTGCAGGGGAGACTGGGGCCCAGAAGCCACCTGGAGATCGGATGC[T>C]GTGTCCAGGGAGGATGGATGGTGCAGCTCTGGGGGAACAGCCAACTGGGCAGAAGGGAGC-3'
Protein context (NP_001354553.1, residues 2720-2740): GAQKPPGDRM[Leu2730Pro]CPGRMDGAAL